The following is an entry in ClinVar:

ClinVar aggregate classification (germline): Uncertain significance (1 of 4 stars; one submission).

Conditions:
Hyperinsulinism-hyperammonemia syndrome (HHF6). Identifiers: Orphanet 35878, MedGen C1847555, MONDO:0011717, OMIM 606762.

Submission:

Labcorp Genetics (formerly Invitae), Labcorp
Classification: Uncertain significance for Hyperinsulinism-hyperammonemia syndrome. Last evaluated: 2022-08-09. Review status: criteria provided, single submitter. Criteria: Invitae Variant Classification Sherloc (09022015). Collection method: clinical testing. Allele origin: germline.
Comment: This sequence change replaces serine, which is neutral and polar, with glycine, which is neutral and non-polar, at codon 336 of the GLUD1 protein (p.Ser336Gly). This variant is not present in population databases (gnomAD no frequency). This variant has not been reported in the literature in individuals affected with GLUD1-related conditions. Algorithms developed to predict the effect of missense changes on protein structure and function are either unavailable or do not agree on the potential impact of this missense change (SIFT: "Not Available"; PolyPhen-2: "Benign"; Align-GVGD: "Not Available"). Algorithms developed to predict the effect of sequence changes on RNA splicing suggest that this variant may disrupt the consensus splice site. In summary, the available evidence is currently insufficient to determine the role of this variant in disease. Therefore, it has been classified as a Variant of Uncertain Significance.

NM_005271.5(GLUD1):c.1006A>G (p.Ser336Gly)

Gene: GLUD1 (glutamate dehydrogenase 1; minus strand). Cytogenetic location: 10q23.2.
Variant type: single nucleotide variant.
Coding change: c.1006A>G on transcript NM_005271.5 (MANE Select); coding-DNA position 1006, A replaced by G.
Protein change: p.Ser336Gly; replaces serine 336 with glycine.
Molecular consequence: missense variant.
Genome position (GRCh38, 1-based): chr10:87,060,968, T>C on the plus strand (A>G on the coding strand, the complement: GLUD1 is on the minus strand). VCF-style: chr10-87060968-T-C. GRCh37 (hg19) VCF-style: chr10-88820725-T-C.
Other names: c.607A>G, p.Ser203Gly (NM_001318900.1); c.505A>G, p.Ser169Gly (NM_001318901.1, NM_001318902.1, NM_001318904.2 and 2 more transcripts); short protein forms S169G, S203G, S336G.
Identifiers: ClinVar variation 2132873 (VCV002132873.4), dbSNP rs2539820134, ClinGen allele CA377467503.
Genomic context (GRCh38, chr10:87,060,968, plus strand): 5'-TTAATACCAATTTGAAGTCTTCCAGTTCCTTTGGGTCAATACCATCTGGATTCCATATAC[T>C]CCCATCAGACTCACCAACAGCAATACATTTAGCACCAAAACGATGTAAATATCTCATAGA-3'
Protein context (NP_005262.1, residues 326-346): KCIAVGESDG[Ser336Gly]IWNPDGIDPK